The following is an entry in ClinVar:

NM_033004.4(NLRP1):c.3518A>G (p.Gln1173Arg)

Gene: NLRP1 (NLR family pyrin domain containing 1; minus strand). Cytogenetic location: 17p13.2.
Variant type: single nucleotide variant.
Coding change: c.3518A>G on transcript NM_033004.4 (MANE Select); coding-DNA position 3518, A replaced by G.
Protein change: p.Gln1173Arg; replaces glutamine 1173 with arginine.
Molecular consequence: missense variant.
Genome position (GRCh38, 1-based): chr17:5,530,483, T>C on the plus strand (A>G on the coding strand, the complement: NLRP1 is on the minus strand). VCF-style: chr17-5530483-T-C. GRCh37 (hg19) VCF-style: chr17-5433803-T-C.
Other names: p.Gln1173Arg; c.3530A>G, p.Gln1177Arg (NM_001033053.3); c.3518A>G, p.Gln1173Arg (NM_014922.5); c.3428A>G, p.Gln1143Arg (NM_033006.4, NM_033007.4); short protein forms Q1173R, Q1177R, Q1143R.
Identifiers: ClinVar variation 710476 (VCV000710476.53), dbSNP rs150677537, ClinGen allele CA8326818.

ClinVar aggregate classification (germline): Benign/Likely benign. Review status: criteria provided, multiple submitters, no conflicts (2 of 4 stars). 4 submissions from 4 submitters: Benign (1); Likely benign (3). Last evaluated 2026-02-04.

Allele frequency attached by ClinVar (database versions not stated): gnomAD exomes 0.00082 and 0.00116; gnomAD 0.00083 and 0.00084; 1000 Genomes Project 30x 0.00094; TOPMed 0.00098; 1000 Genomes Project 0.00100; ExAC 0.00103; ESP Exome Variant Server 0.00131.
gnomAD v4.1: 1,367 of 1,613,528 alleles (0.085%); highest among the groups gnomAD compares: Middle Eastern, 0.12%; 7 homozygotes.

Submissions (4):

Labcorp Genetics (formerly Invitae), Labcorp
Classification: Benign. Last evaluated: 2026-02-04. Review status: criteria provided, single submitter. Criteria: Invitae Variant Classification Sherloc (09022015). Collection method: clinical testing. Allele origin: germline.

CeGaT Center for Human Genetics Tuebingen
Classification: Likely benign. Last evaluated: 2026-02-01. Review status: criteria provided, single submitter. Criteria: CeGaT Center For Human Genetics Tuebingen Variant Classification Criteria Version 2. Collection method: clinical testing. Allele origin: germline. Affected: yes. Observed: 3 variant alleles.
Comment: NLRP1: BP4, BS1

Mayo Clinic Laboratories, Mayo Clinic
Classification: Likely benign. Last evaluated: 2025-09-01. Review status: criteria provided, single submitter. Criteria: ACMG Guidelines, 2015. Collection method: clinical testing. Allele origin: germline. Observed: 1 variant allele.
Comment: BS1, BP4_moderate

Blueprint Genetics
Classification: Likely benign. Last evaluated: 2024-11-01. Review status: criteria provided, single submitter. Criteria: ACMG Guidelines, 2015. Collection method: clinical testing. Allele origin: germline.